The following is an entry in ClinVar:

ClinVar aggregate classification (germline): Uncertain significance (1 of 4 stars; one submission).

Conditions:
Epidermodysplasia verruciformis, susceptibility to, 2. Also called: Epidermodysplasia verruciformis 2. Identifiers: MedGen C4722258, MONDO:0032614, OMIM 618231.

gnomAD v4.1: 18 of 1,613,650 alleles (0.0011%); highest among the groups gnomAD compares: Admixed American, 0.0017%; no homozygotes.

Submission:

Juno Genomics, Hangzhou Juno Genomics, Inc
Classification: Uncertain significance for Epidermodysplasia verruciformis, susceptibility to, 2. Review status: criteria provided, single submitter. Criteria: ACMG Guidelines, 2015. Collection method: clinical testing. Allele origin: germline.
Comment: Absent from controls (or at extremely low frequency if recessive) in Genome Aggregation Database.;Multiple lines of computational evidence support a deleterious effect on the gene or gene product.

NM_152468.5(TMC8):c.559G>A (p.Gly187Ser)

Gene: TMC8 (transmembrane channel like 8; plus strand). Cytogenetic location: 17q25.3.
Variant type: single nucleotide variant.
Coding change: c.559G>A on transcript NM_152468.5 (MANE Select); coding-DNA position 559, G replaced by A.
Protein change: p.Gly187Ser; replaces glycine 187 with serine.
Molecular consequence: missense variant.
Genome position (GRCh38, 1-based): chr17:78,133,433, G>A. VCF-style: chr17-78133433-G-A. GRCh37 (hg19) VCF-style: chr17-76129514-G-A.
Other names: short protein forms G187S.
Identifiers: ClinVar variation 5005829 (VCV005005829.2).